The following is an entry in ClinVar:

ClinVar aggregate classification (germline): Conflicting classifications of pathogenicity. Review status: criteria provided, conflicting classifications (1 of 4 stars). 13 submissions from 9 submitters: Uncertain significance (6); Benign (2); Likely benign (5). Last evaluated 2026-01-05.

Conditions:
TTN-related disorder. Also called: TTN-related condition; TTN-related disease; TTN-related disorders.
Dilated cardiomyopathy 1G (CMD1G). Identifiers: Orphanet 154, MedGen C1858763, MONDO:0011400, OMIM 604145.
Autosomal recessive limb-girdle muscular dystrophy type 2J (LGMDR10). Also called: Limb-girdle muscular dystrophy, type 2J; MUSCULAR DYSTROPHY, LIMB-GIRDLE, AUTOSOMAL RECESSIVE 10. Identifiers: Orphanet 140922, MedGen C1837342, MONDO:0012127, OMIM 608807.
Cardiomyopathy (CMYO). Also called: Cardiomyopathies. Identifiers: Orphanet 167848, MedGen C0878544, MONDO:0004994, HP:0001638. Inheritance: Various modes of inheritance.
Early-onset myopathy with fatal cardiomyopathy (CMYO5). Also called: Salih Myopathy; CONGENITAL MYOPATHY 5 WITH CARDIOMYOPATHY. Identifiers: Orphanet 289377, MedGen C2673677, MONDO:0012714, OMIM 611705. Disease mechanism: loss of function.
Myopathy, myofibrillar, 9, with early respiratory failure (MFM9). Also called: Myopathy, distal, with early respiratory failure, autosomal dominant; MYOPATHY, PROXIMAL, WITH EARLY RESPIRATORY MUSCLE INVOLVEMENT; Hereditary myopathy with early respiratory failure; EDSTROM MYOPATHY. Identifiers: Orphanet 178464, Orphanet 34521, MedGen C1863599, MONDO:0011362, OMIM 603689.
Tibial muscular dystrophy (TMD). Also called: Tibial muscular dystrophy, tardive; Udd Distal Myopathy – Tibial Muscular Dystrophy; UDD MYOPATHY. Identifiers: Orphanet 609, MedGen C1838244, MONDO:0010870, OMIM 600334.

Allele frequency attached by ClinVar (database versions not stated): ExAC 0.00012; gnomAD 0.00012 and 0.00025; TOPMed 0.00012; gnomAD exomes 0.00016 and 0.00033; 1000 Genomes Project 30x 0.00047; 1000 Genomes Project 0.00060.
gnomAD v4.1: 508 of 1,612,356 alleles (0.032%); highest among the groups gnomAD compares: East Asian, 1.1%; 5 homozygotes.

Submissions (13):

Labcorp Genetics (formerly Invitae), Labcorp
Classification: Likely benign for Dilated cardiomyopathy 1G; Autosomal recessive limb-girdle muscular dystrophy type 2J. Last evaluated: 2026-01-05. Review status: criteria provided, single submitter. Criteria: Invitae Variant Classification Sherloc (09022015). Collection method: clinical testing. Allele origin: germline.

PreventionGenetics, part of Exact Sciences
Classification: Likely benign for TTN-related condition. Last evaluated: 2025-10-07. Review status: criteria provided, single submitter. Criteria: ACMG Guidelines, 2015. Collection method: clinical testing. Allele origin: germline.
Comment: This variant is classified as likely benign based on ACMG/AMP sequence variant interpretation guidelines (Richards et al. 2015 PMID: 25741868, with internal and published modifications).

Blueprint Genetics
Classification: Likely benign. Last evaluated: 2024-04-02. Review status: criteria provided, single submitter. Criteria: ACMG Guidelines, 2015. Collection method: clinical testing. Allele origin: germline.

Women's Health and Genetics/Laboratory Corporation of America, LabCorp
Classification: Likely benign. Last evaluated: 2023-05-16. Review status: criteria provided, single submitter. Criteria: LabCorp Variant Classification Summary - May 2015. Collection method: clinical testing. Allele origin: germline.
Comment: Variant summary: TTN c.40690C>T (p.Arg13564Cys) results in a non-conservative amino acid change located in the A-band of the encoded protein sequence. Two of four in-silico tools predict a benign effect of the variant on protein function. The variant allele was found at a frequency of 0.00016 in 248222 control chromosomes, predominantly at a frequency of 0.0018 within the East Asian subpopulation in the gnomAD database. The observed variant frequency within East Asian control individuals in the gnomAD database is approximately 5 fold of the estimated maximal expected allele frequency for a pathogenic variant in TTN causing Dilated Cardiomyopathy phenotype (0.00039), strongly suggesting that the variant is a benign polymorphism found primarily in populations of East Asian origin. c.40690C>T has been reported in the literature in individuals affected with myocyte disarray or preeclampsia (Gammill_2018, Hata_2019). These report do not provide unequivocal conclusions about association of the variant with Dilated Cardiomyopathy. To our knowledge, no experimental evidence demonstrating an impact on protein function has been reported. The following publications have been ascertained in the context of this evaluation (PMID: 30021846, 30959811). Seven ClinVar submitter (evaluation after 2014) cites this variant as uncertain significance (n=4), likely benign (n=2) and benign (n=1). Based on the evidence outlined above, the variant was classified as likely benign.

Revvity Omics, Revvity
Classification: Uncertain significance. Last evaluated: 2019-05-21. Review status: criteria provided, single submitter. Criteria: ACMG Guidelines, 2015. Collection method: clinical testing. Allele origin: germline.

GeneDx
Classification: Likely benign. Last evaluated: 2019-04-18. Review status: criteria provided, single submitter. Criteria: GeneDx Variant Classification Process June 2021. Collection method: clinical testing. Allele origin: germline. Affected: yes.

Eurofins Ntd Llc (ga)
Classification: Uncertain significance. Last evaluated: 2018-04-27. Review status: criteria provided, single submitter. Criteria: EGL ClinVar v180209 classification definitions. Collection method: clinical testing. Allele origin: germline. Observed: 2 variant alleles, 2 heterozygotes.

Illumina Laboratory Services, Illumina
Classification: Uncertain significance for Early-onset myopathy with fatal cardiomyopathy. Last evaluated: 2018-01-13. Review status: criteria provided, single submitter. Criteria: ICSL Variant Classification Criteria 13 December 2019. Collection method: clinical testing. Allele origin: germline.

Illumina Laboratory Services, Illumina
Classification: Uncertain significance for Dilated cardiomyopathy 1G. Last evaluated: 2018-01-13. Review status: criteria provided, single submitter. Criteria: ICSL Variant Classification Criteria 13 December 2019. Collection method: clinical testing. Allele origin: germline.

Illumina Laboratory Services, Illumina
Classification: Uncertain significance for Autosomal recessive limb-girdle muscular dystrophy type 2J. Last evaluated: 2018-01-13. Review status: criteria provided, single submitter. Criteria: ICSL Variant Classification Criteria 13 December 2019. Collection method: clinical testing. Allele origin: germline.

Illumina Laboratory Services, Illumina
Classification: Benign for Myopathy, myofibrillar, 9, with early respiratory failure. Last evaluated: 2018-01-13. Review status: criteria provided, single submitter. Criteria: ICSL Variant Classification Criteria 13 December 2019. Collection method: clinical testing. Allele origin: germline.
Comment: This variant was observed in the ICSL laboratory as part of a predisposition screen in an ostensibly healthy population. It had not been previously curated by ICSL or reported in the Human Gene Mutation Database (HGMD: prior to June 1st, 2018), and was therefore a candidate for classification through an automated scoring system. Utilizing variant allele frequency, disease prevalence and penetrance estimates, and inheritance mode, an automated score was calculated to assess if this variant is too frequent to cause the disease. Based on the score and internal cut-off values, a variant classified as benign is not then subjected to further curation. The score for this variant resulted in a classification of benign for this disease.

Illumina Laboratory Services, Illumina
Classification: Benign for Tibial muscular dystrophy. Last evaluated: 2018-01-13. Review status: criteria provided, single submitter. Criteria: ICSL Variant Classification Criteria 13 December 2019. Collection method: clinical testing. Allele origin: germline.
Comment: the same text as in the submission from Illumina Laboratory Services, Illumina above.

CHEO Genetics Diagnostic Laboratory, Children's Hospital of Eastern Ontario
Classification: Uncertain significance for Cardiomyopathy. Last evaluated: 2015-11-05. Review status: criteria provided, single submitter. Criteria: ACMG Guidelines, 2015. Collection method: clinical testing. Allele origin: germline. Study: Canadian Open Genetics Repository.

Literature cited by the submitters: PubMed 30959811 (cited by Women's Health and Genetics/Laboratory Corporation of America, LabCorp); PubMed 30021846 (cited by Women's Health and Genetics/Laboratory Corporation of America, LabCorp).

NM_001267550.2(TTN):c.48394C>T (p.Arg16132Cys)

Genes: TTN-AS1 (TTN antisense RNA 1; plus strand), TTN (titin; minus strand). Cytogenetic location: 2q31.2.
Variant type: single nucleotide variant.
Coding change: c.48394C>T on transcript NM_001267550.2 (MANE Select); coding-DNA position 48394, C replaced by T.
Protein change: p.Arg16132Cys; replaces arginine 16132 with cysteine.
Molecular consequence: missense variant.
Genome position (GRCh38, 1-based): chr2:178,615,707, G>A on the plus strand (C>T on the coding strand, the complement: TTN is on the minus strand). VCF-style: chr2-178615707-G-A. GRCh37 (hg19) VCF-style: chr2-179480434-G-A.
Other names: p.R14491C:CGT>TGT; c.43471C>T, p.Arg14491Cys (NM_001256850.1); c.21199C>T, p.Arg7067Cys (NM_003319.4); c.40690C>T, p.Arg13564Cys (NM_133378.4); c.21574C>T, p.Arg7192Cys (NM_133432.3); c.21775C>T, p.Arg7259Cys (NM_133437.4); short protein forms R14491C, R16132C, R13564C, R7067C, R7259C, R7192C.
Identifiers: ClinVar variation 202664 (VCV000202664.31), dbSNP rs2303830, ClinGen allele CA309914.
Genomic context (GRCh38, chr2:178,615,707, plus strand): 5'-GAGTTGACATATTTACAGGTTCATCAACATATGCAGGTTCTCCAGGGCCACATTTGTTAC[G>A]AGCACAAACTTTAAATAAGTACTCTTTTCCTTGAACAAGATCAGGAACTGTGAATTCTAG-3'
Protein context (NP_001254479.2, residues 16122-16142): GKEYLFKVCA[Arg16132Cys]NKCGPGEPAY